The following is an entry in ClinVar:

NM_014629.4(ARHGEF10):c.3208A>G (p.Thr1070Ala)

Gene: ARHGEF10 (Rho guanine nucleotide exchange factor 10; plus strand). Cytogenetic location: 8p23.3.
Variant type: single nucleotide variant.
Coding change: c.3208A>G on transcript NM_014629.4 (MANE Select); coding-DNA position 3208, A replaced by G.
Protein change: p.Thr1070Ala; replaces threonine 1070 with alanine.
Molecular consequence: missense variant.
Genome position (GRCh38, 1-based): chr8:1,933,928, A>G. VCF-style: chr8-1933928-A-G. GRCh37 (hg19) VCF-style: chr8-1882094-A-G.
Other names: c.3094A>G, p.Thr1032Ala (NM_001308152.2); c.3208A>G, p.Thr1070Ala (NM_001308153.3); short protein forms T1032A, T1094A, T1070A.
Identifiers: ClinVar variation 3717908 (VCV003717908.2).
Genomic context (GRCh38, chr8:1,933,928, plus strand): 5'-ATGATGGAAGACACGTTGTGGGCGGCTTCCGGAGGTCAAGTCTTCATCATCAGTGTGGAG[A>G]CTCATGCTGTAGAGGTAAGTCACTTAGGTGGCTACACGGTGTGGAAAAAATGCATTTCAG-3'
Protein context (NP_055444.2, residues 1060-1080): GGQVFIISVE[Thr1070Ala]HAVEGQLEAH

ClinVar aggregate classification (germline): Uncertain significance (1 of 4 stars; one submission).

gnomAD v4.1: 46 of 1,613,862 alleles (0.0029%); highest among the groups gnomAD compares: Non-Finnish European, 0.0038%; no homozygotes.

Submission:

Labcorp Genetics (formerly Invitae), Labcorp
Classification: Uncertain significance. Last evaluated: 2025-06-10. Review status: criteria provided, single submitter. Criteria: Invitae Variant Classification Sherloc (09022015). Collection method: clinical testing. Allele origin: germline.
Comment: This sequence change replaces threonine, which is neutral and polar, with alanine, which is neutral and non-polar, at codon 1070 of the ARHGEF10 protein (p.Thr1070Ala). This variant is present in population databases (rs764224133, gnomAD 0.003%). This variant has not been reported in the literature in individuals affected with ARHGEF10-related conditions. ClinVar contains an entry for this variant (Variation ID: 3717908). Invitae Evidence Modeling of protein sequence and biophysical properties (such as structural, functional, and spatial information, amino acid conservation, physicochemical variation, residue mobility, and thermodynamic stability) indicates that this missense variant is not expected to disrupt ARHGEF10 protein function with a negative predictive value of 80%. In summary, the available evidence is currently insufficient to determine the role of this variant in disease. Therefore, it has been classified as a Variant of Uncertain Significance.